The following is an entry in ClinVar:

NM_013275.6(ANKRD11):c.5625C>T (p.Val1875=)

Gene: ANKRD11 (ankyrin repeat domain 11; minus strand). Cytogenetic location: 16q24.3.
Variant type: single nucleotide variant.
Coding change: c.5625C>T on transcript NM_013275.6 (MANE Select); coding-DNA position 5625, C replaced by T.
Protein change: p.Val1875=; no amino-acid change (valine 1875 retained).
Molecular consequence: synonymous variant.
Genome position (GRCh38, 1-based): chr16:89,280,917, G>A on the plus strand (C>T on the coding strand, the complement: ANKRD11 is on the minus strand). VCF-style: chr16-89280917-G-A. GRCh37 (hg19) VCF-style: chr16-89347325-G-A.
Other names: c.5625C>T, p.Val1875= (NM_001256182.2, NM_001256183.2).
Identifiers: ClinVar variation 587813 (VCV000587813.25), dbSNP rs201082380, ClinGen allele CA8241774.

ClinVar aggregate classification (germline): Benign/Likely benign. Review status: criteria provided, multiple submitters, no conflicts (2 of 4 stars). 7 submissions from 7 submitters: Benign (4); Likely benign (3). Last evaluated 2026-09-01.

Conditions:
Inborn genetic diseases. Identifiers: MedGen C0950123, MeSH D030342.
KBG syndrome (KBGS). Also called: ANKRD11-Related KBG Syndrome. Identifiers: Orphanet 2332, MedGen C0220687, MONDO:0007846, OMIM 148050.

Allele frequency attached by ClinVar (database versions not stated): 1000 Genomes Project 0.00020; 1000 Genomes Project 30x 0.00031; TOPMed 0.00043; ExAC 0.00090; gnomAD exomes 0.00110; gnomAD 0.00016 and 0.00017.
gnomAD v4.1: 345 of 1,598,276 alleles (0.022%); highest among the groups gnomAD compares: Admixed American, 0.56%; 1 homozygote.

Submissions (7):

CeGaT Center for Human Genetics Tuebingen
Classification: Likely benign. Last evaluated: 2026-09-01. Review status: criteria provided, single submitter. Criteria: CeGaT Center For Human Genetics Tuebingen Variant Classification Criteria Version 2. Collection method: clinical testing. Allele origin: germline. Affected: yes. Observed: 5 variant alleles.
Comment: ANKRD11: BP4, BP7, BS1

Women's Health and Genetics/Laboratory Corporation of America, LabCorp
Classification: Benign. Last evaluated: 2026-05-11. Review status: criteria provided, single submitter. Criteria: LabCorp Variant Classification Summary - May 2015. Collection method: clinical testing. Allele origin: germline.

Labcorp Genetics (formerly Invitae), Labcorp
Classification: Benign for KBG syndrome. Last evaluated: 2026-01-13. Review status: criteria provided, single submitter. Criteria: Invitae Variant Classification Sherloc (09022015). Collection method: clinical testing. Allele origin: germline.

Blueprint Genetics
Classification: Likely benign. Last evaluated: 2024-10-07. Review status: criteria provided, single submitter. Criteria: ACMG Guidelines, 2015. Collection method: clinical testing. Allele origin: germline.

Genome-Nilou Lab
Classification: Benign for KBG syndrome. Last evaluated: 2021-12-05. Review status: criteria provided, single submitter. Criteria: ACMG Guidelines, 2015. Collection method: clinical testing. Allele origin: germline. Affected: no.

GeneDx
Classification: Benign. Last evaluated: 2019-04-02. Review status: criteria provided, single submitter. Criteria: GeneDx Variant Classification Process June 2021. Collection method: clinical testing. Allele origin: germline. Affected: yes.

Ambry Genetics
Classification: Likely benign for Inborn genetic diseases. Last evaluated: 2016-04-18. Review status: criteria provided, single submitter. Criteria: Ambry Variant Classification Scheme 2023. Collection method: clinical testing. Allele origin: germline.